The following is an entry in ClinVar:

Conditions:
Breast-ovarian cancer, familial, susceptibility to, 1 (BROVCA1). Also called: BRCA1 Hereditary Breast and Ovarian Cancer; OVARIAN CANCER, SUSCEPTIBILITY TO. Identifiers: Orphanet 145, MedGen C2676676, MONDO:0011450, OMIM 604370. Disease mechanism: loss of function.

Submission:

Brotman Baty Institute, University of Washington
No classification provided (evidence only). Condition: Breast-ovarian cancer, familial 1. Review status: no classification provided. Collection method: in vitro. Allele origin: not applicable. Functional consequence: functionally_normal.
ClinVar note: "not provided" was previously submitted as the classification for the variant. However, the classification appeared to be based only on an observation of functional data so it was converted to no classification on 2025-07-30.

NM_007294.4(BRCA1):c.5327C>G (p.Pro1776Arg)

Gene: BRCA1 (BRCA1 DNA repair associated; minus strand). Cytogenetic location: 17q21.31.
Variant type: single nucleotide variant.
Coding change: c.5327C>G on transcript NM_007294.4 (MANE Select); coding-DNA position 5327, C replaced by G.
Protein change: p.Pro1776Arg; replaces proline 1776 with arginine.
Molecular consequence: missense variant. On other transcripts: non-coding transcript variant (1).
Genome position (GRCh38, 1-based): chr17:43,051,068, G>C on the plus strand (C>G on the coding strand, the complement: BRCA1 is on the minus strand). VCF-style: chr17-43051068-G-C. GRCh37 (hg19) VCF-style: chr17-41203085-G-C.
Other names: c.1877C>G, p.Pro626Arg (NM_001408456.1, NM_001408457.1, NM_001408455.1 and 3 more transcripts); c.1874C>G, p.Pro625Arg (NM_001408458.1, NM_001408459.1, NM_001408460.1 and 7 more transcripts); c.1814C>G, p.Pro605Arg (NM_001408475.1, NM_001408476.1); c.1808C>G, p.Pro603Arg (NM_001408478.1, NM_001408479.1, NM_001408480.1); c.1805C>G, p.Pro602Arg (NM_001408481.1, NM_001408482.1, NM_001408483.1 and 5 more transcripts); c.1754C>G, p.Pro585Arg (NM_001408498.1, NM_001408499.1, NM_001408500.1 and 3 more transcripts); c.1751C>G, p.Pro584Arg (NM_001408502.1, NM_001408503.1, NM_001408504.1); c.1748C>G, p.Pro583Arg (NM_001408505.1); and 72 more; short protein forms P672R, P1729R, P1776R, P1797R, P1479R, P1607R, P1649R, P1686R.
Identifiers: ClinVar variation 865600 (VCV000865600.3), dbSNP rs398122695, ClinGen allele CA10590896.
Genomic context (GRCh38, chr17:43,051,068, plus strand): 5'-CACTATGTAAGACAAAGGCTGGTGCTGGAACTCTGGGGTTCTCCCAGGCTCTTACCTGTG[G>C]GCATGTTGGTGAAGGGCCCATAGCAACAGATTTCTAGCCCCCTGAAGATCTGGAAGAAGA-3'
Protein context (NP_009225.1, residues 1766-1786): ICCYGPFTNM[Pro1776Arg]TDQLEWMVQL